The following is an entry in ClinVar:

ClinVar aggregate classification (germline): Uncertain significance (1 of 4 stars; one submission).

Submission:

GeneDx
Classification: Uncertain significance. Last evaluated: 2023-03-06. Review status: criteria provided, single submitter. Criteria: GeneDx Variant Classification Process June 2021. Collection method: clinical testing. Allele origin: germline. Affected: yes.
Comment: Not observed at significant frequency in large population cohorts (gnomAD); In-frame insertion of 2 amino acids in a repetitive region with no known function; Has not been previously published as pathogenic or benign to our knowledge

NM_001374828.1(ARID1B):c.1301_1302delinsCAGGAGGC (p.Ala433_Gly434insAlaGly)

Gene: ARID1B (AT-rich interaction domain 1B; plus strand). Cytogenetic location: 6q25.3.
Variant type: Indel.
Coding change: c.1301_1302delinsCAGGAGGC on transcript NM_001374828.1 (MANE Select); coding-DNA positions 1301 to 1302, GA replaced by CAGGAGGC.
Protein change: p.Ala433_Gly434insAlaGly.
Molecular consequence: inframe insertion. On other transcripts: inframe indel (1).
Genome position (GRCh38, 1-based): chr6:156,778,981-156,778,982, GA replaced by CAGGAGGC. VCF-style: chr6-156778981-GA-CAGGAGGC. GRCh37 (hg19) VCF-style: chr6-157100115-GA-CAGGAGGC.
Other names: c.1052_1053delinsCAGGAGGC (NM_020732.3); c.1301_1302delinsCAGGAGGC, p.Ala433_Gly434insAlaGly (NM_001371656.1, NM_001374820.1, NM_017519.3).
Identifiers: ClinVar variation 2579431 (VCV002579431.1), dbSNP rs2546837726, ClinGen allele CA2580617879.